The following is an entry in ClinVar:

NM_152564.5(VPS13B):c.5032G>A (p.Val1678Ile)

Gene: VPS13B (vacuolar protein sorting 13 homolog B; plus strand). Cytogenetic location: 8q22.2.
Variant type: single nucleotide variant.
Coding change: c.5032G>A on transcript NM_152564.5 (MANE Select); coding-DNA position 5032, G replaced by A.
Protein change: p.Val1678Ile; replaces valine 1678 with isoleucine.
Molecular consequence: missense variant.
Genome position (GRCh38, 1-based): chr8:99,575,740, G>A. VCF-style: chr8-99575740-G-A. GRCh37 (hg19) VCF-style: chr8-100587968-G-A.
Other names: c.5107G>A (NM_017890.3); c.5107G>A, p.Val1703Ile (NM_017890.5); short protein forms V1703I, V1678I.
Identifiers: ClinVar variation 2138118 (VCV002138118.2), dbSNP rs1019355776, ClinGen allele CA182998656.
Genomic context (GRCh38, chr8:99,575,740, plus strand): 5'-AGAGCAATTTTGACCCCCGTTTTGACAGATTTTTCTGTCCGAATAACTGGAGCACCTGCT[G>A]TCATTTTCACCAAAGTAGTTTCTCCAGAAAATTTGCATACTGAGGTTAGAACATAATTTT-3'
Protein context (NP_689777.3, residues 1668-1688): FSVRITGAPA[Val1678Ile]IFTKVVSPEN

ClinVar aggregate classification (germline): Conflicting classifications of pathogenicity. Review status: criteria provided, conflicting classifications (1 of 4 stars). 2 submissions from 2 submitters: Uncertain significance (1); Likely benign (1). Last evaluated 2025-06-30.

Conditions:
Inborn genetic diseases. Identifiers: MedGen C0950123, MeSH D030342.
Cohen syndrome (COH1). Also called: PEPPER SYNDROME; Cutis verticis gyrata, retinitis pigmentosa, and sensorineural deafness. Identifiers: Orphanet 193, MedGen C0265223, MONDO:0008999, OMIM 216550.

Allele frequency attached by ClinVar (database versions not stated): gnomAD 0.00001; TOPMed 0.00002.
gnomAD v4.1: 3 of 1,613,730 alleles (0.00019%); highest among the groups gnomAD compares: Admixed American, 0.0033%; no homozygotes.

Submissions (2):

Ambry Genetics
Classification: Likely benign for Inborn genetic diseases. Last evaluated: 2025-06-30. Review status: criteria provided, single submitter. Criteria: Ambry Variant Classification Scheme 2023. Collection method: clinical testing. Allele origin: germline.

Labcorp Genetics (formerly Invitae), Labcorp
Classification: Uncertain significance for Cohen syndrome. Last evaluated: 2022-09-19. Review status: criteria provided, single submitter. Criteria: Invitae Variant Classification Sherloc (09022015). Collection method: clinical testing. Allele origin: germline.
Comment: This sequence change replaces valine, which is neutral and non-polar, with isoleucine, which is neutral and non-polar, at codon 1703 of the VPS13B protein (p.Val1703Ile). This variant is not present in population databases (gnomAD no frequency). This variant has not been reported in the literature in individuals affected with VPS13B-related conditions. Advanced modeling of protein sequence and biophysical properties (such as structural, functional, and spatial information, amino acid conservation, physicochemical variation, residue mobility, and thermodynamic stability) performed at Invitae indicates that this missense variant is not expected to disrupt VPS13B protein function. In summary, the available evidence is currently insufficient to determine the role of this variant in disease. Therefore, it has been classified as a Variant of Uncertain Significance.